The following is an entry in ClinVar:

ClinVar aggregate classification (germline): Pathogenic (1 of 4 stars; one submission).

Conditions:
Cardiovascular phenotype. Identifiers: MedGen CN230736.

Submission:

Molecular Diagnostic Laboratory for Inherited Cardiovascular Disease, Montreal Heart Institute
Classification: Pathogenic for Cardiovascular phenotype. Last evaluated: 2025-09-18. Review status: criteria provided, single submitter. Criteria: ACMG Guidelines, 2015. Collection method: clinical testing. Allele origin: germline. Affected: yes.
Comment: PVS1_strong, PS4, PM1, PM2, PP1

NM_004006.2:c.(6438+1_6439-1)_(8217+1_8218-1)del

Gene: DMD (dystrophin; minus strand).
Variant type: Deletion.
Identifiers: ClinVar variation 4820449 (VCV004820449.1).